The following is an entry in ClinVar:

ClinVar aggregate classification (germline): Conflicting classifications of pathogenicity. Review status: criteria provided, conflicting classifications (1 of 4 stars). 2 submissions from 2 submitters: Uncertain significance (1); Likely benign (1). Last evaluated 2025-02-27.

Conditions:
Hereditary cancer-predisposing syndrome. Also called: Hereditary neoplastic syndrome; Neoplastic Syndromes, Hereditary; Hereditary Cancer Syndrome; Tumor predisposition. Identifiers: Orphanet 140162, MedGen C0027672, MeSH D009386, MONDO:0015356.

Submissions (2):

Ambry Genetics
Classification: Uncertain significance for Hereditary cancer-predisposing syndrome. Last evaluated: 2025-02-27. Review status: criteria provided, single submitter. Criteria: Ambry Variant Classification Scheme 2023. Collection method: clinical testing. Allele origin: germline.
Comment: The c.255C>T variant (also known as p.G85G), located in coding exon 1 of the HOXB13 gene, results from a C to T substitution at nucleotide position 255. This nucleotide substitution does not change the glycine at codon 85. This nucleotide position is well conserved in available vertebrate species. In silico splice site analysis predicts that this alteration may result in the creation or strengthening of a novel splice donor site. Based on the available evidence, the clinical significance of this variant remains unclear.

Labcorp Genetics (formerly Invitae), Labcorp
Classification: Likely benign. Last evaluated: 2024-04-11. Review status: criteria provided, single submitter. Criteria: Invitae Variant Classification Sherloc (09022015). Collection method: clinical testing. Allele origin: germline.

NM_006361.6(HOXB13):c.255C>T (p.Gly85=)

Gene: HOXB13 (homeobox B13; minus strand). Cytogenetic location: 17q21.32.
Variant type: single nucleotide variant.
Coding change: c.255C>T on transcript NM_006361.6 (MANE Select); coding-DNA position 255, C replaced by T.
Protein change: p.Gly85=; no amino-acid change (glycine 85 retained).
Molecular consequence: synonymous variant.
Genome position (GRCh38, 1-based): chr17:48,728,339, G>A on the plus strand (C>T on the coding strand, the complement: HOXB13 is on the minus strand). VCF-style: chr17-48728339-G-A. GRCh37 (hg19) VCF-style: chr17-46805701-G-A.
Identifiers: ClinVar variation 3715408 (VCV003715408.3).